The following is an entry in ClinVar:

NM_017433.5(MYO3A):c.3739G>A (p.Glu1247Lys)

Gene: MYO3A (myosin IIIA; plus strand). Cytogenetic location: 10p12.1.
Variant type: single nucleotide variant.
Coding change: c.3739G>A on transcript NM_017433.5 (MANE Select); coding-DNA position 3739, G replaced by A.
Protein change: p.Glu1247Lys; replaces glutamic acid 1247 with lysine.
Molecular consequence: missense variant.
Genome position (GRCh38, 1-based): chr10:26,174,003, G>A. VCF-style: chr10-26174003-G-A. GRCh37 (hg19) VCF-style: chr10-26462932-G-A.
Other names: short protein forms E1247K.
Identifiers: ClinVar variation 3900893 (VCV003900893.2).

ClinVar aggregate classification (germline): Uncertain significance. Review status: criteria provided, multiple submitters, no conflicts (2 of 4 stars). 2 submissions from 2 submitters: Uncertain significance (2). Last evaluated 2025-08-09.

Conditions:
Inborn genetic diseases. Identifiers: MedGen C0950123, MeSH D030342.

gnomAD v4.1: 6 of 1,611,252 alleles (0.00037%); highest among the groups gnomAD compares: Non-Finnish European, 0.00051%; no homozygotes.

Submissions (2):

Ambry Genetics
Classification: Uncertain significance for Inborn genetic diseases. Last evaluated: 2025-08-09. Review status: criteria provided, single submitter. Criteria: Ambry Variant Classification Scheme 2023. Collection method: clinical testing. Allele origin: germline.

GeneDx
Classification: Uncertain significance. Last evaluated: 2024-12-02. Review status: criteria provided, single submitter. Criteria: GeneDx Variant Classification Process June 2021. Collection method: clinical testing. Allele origin: germline. Affected: yes.
Comment: Not observed at significant frequency in large population cohorts (gnomAD); In silico analysis indicates that this missense variant does not alter protein structure/function; Has not been previously published as pathogenic or benign to our knowledge